The following is an entry in ClinVar:

NM_005565.5(LCP2):c.142-14T>C

Gene: LCP2 (lymphocyte cytosolic protein 2; minus strand). Cytogenetic location: 5q35.1.
Variant type: single nucleotide variant.
Coding change: c.142-14T>C on transcript NM_005565.5 (MANE Select); 14 bases into the intron before coding-DNA position 142, T replaced by C.
Molecular consequence: intron variant.
Genome position (GRCh38, 1-based): chr5:170,288,030, A>G on the plus strand (T>C on the coding strand, the complement: LCP2 is on the minus strand). VCF-style: chr5-170288030-A-G. GRCh37 (hg19) VCF-style: chr5-169715034-A-G.
Identifiers: ClinVar variation 4848996 (VCV004848996.1).

ClinVar aggregate classification (germline): Likely benign (1 of 4 stars; one submission).

gnomAD v4.1: 7 of 1,613,884 alleles (0.00043%); highest among the groups gnomAD compares: South Asian, 0.0066%; 1 homozygote.

Submission:

Women's Health and Genetics/Laboratory Corporation of America, LabCorp
Classification: Likely benign. Last evaluated: 2026-04-01. Review status: criteria provided, single submitter. Criteria: LabCorp Variant Classification Summary - May 2015. Collection method: clinical testing. Allele origin: germline.
Comment: Variant summary: LCP2 c.142-14T>C alters a nucleotide located at a position not widely known to affect splicing. Consensus agreement among computation tools predict no significant impact on normal splicing. However, these predictions have yet to be confirmed by functional studies. The variant allele was found at a frequency of 1.6e-05 in 249206 control chromosomes in the gnomAD database, including 1 homozygotes. The available data on variant occurrences in the general population are insufficient to allow any conclusion about variant significance. To our knowledge, no occurrence of c.142-14T>C in individuals affected with LCP2-related conditions and no experimental evidence demonstrating its impact on protein function have been reported. No submitters have cited clinical-significance assessments for this variant to ClinVar. Based on the evidence outlined above, the variant was classified as likely benign.